The following is an entry in ClinVar:

ClinVar aggregate classification (germline): Pathogenic (1 of 4 stars; one submission).

Conditions:
Joubert syndrome. Also called: JOUBERT-BOLTSHAUSER SYNDROME; Familial aplasia of the vermis. Identifiers: Orphanet 475, MedGen C5979921, MONDO:0018772.
Meckel-Gruber syndrome. Also called: DYSENCEPHALIA SPLANCHNOCYSTICA; GRUBER SYNDROME; Dysencephalia splachnocystica. Identifiers: Orphanet 564, MedGen C0265215, MONDO:0018921.

Allele frequency attached by ClinVar (database versions not stated): gnomAD exomes below 0.00001.
gnomAD v4.1: 1 of 1,545,944 alleles (0.000065%); highest among the groups gnomAD compares: Non-Finnish European, 0.000087%; no homozygotes.

Submission:

Labcorp Genetics (formerly Invitae), Labcorp
Classification: Pathogenic for Joubert syndrome; Meckel-Gruber syndrome. Last evaluated: 2023-09-04. Review status: criteria provided, single submitter. Criteria: Invitae Variant Classification Sherloc (09022015). Collection method: clinical testing. Allele origin: germline.
Comment: This sequence change creates a premature translational stop signal (p.Trp1440*) in the CC2D2A gene. It is expected to result in an absent or disrupted protein product. Loss-of-function variants in CC2D2A are known to be pathogenic (PMID: 19777577). This variant is not present in population databases (gnomAD no frequency). This variant has not been reported in the literature in individuals affected with CC2D2A-related conditions. For these reasons, this variant has been classified as Pathogenic.

Literature cited by the submitters: PubMed 19777577.

NM_001378615.1(CC2D2A):c.4320G>A (p.Trp1440Ter)

Genes: CC2D2A (coiled-coil and C2 domain containing 2A; plus strand), FBXL5 (F-box and leucine rich repeat protein 5; minus strand). Cytogenetic location: 4p15.32.
Variant type: single nucleotide variant.
Coding change: c.4320G>A on transcript NM_001378615.1 (MANE Select); coding-DNA position 4320, G replaced by A.
Protein change: p.Trp1440Ter; replaces tryptophan 1440 with a stop codon.
Molecular consequence: nonsense.
Genome position (GRCh38, 1-based): chr4:15,596,090, G>A. VCF-style: chr4-15596090-G-A. GRCh37 (hg19) VCF-style: chr4-15597713-G-A.
Other names: c.4320G>A, p.Trp1440Ter (NM_001080522.2); c.4173G>A, p.Trp1391Ter (NM_001378617.1); short protein forms W1440*, W1391*.
Identifiers: ClinVar variation 2944947 (VCV002944947.3), dbSNP rs2475144110, ClinGen allele CA356431437.